The following is an entry in ClinVar:

ClinVar aggregate classification (germline): Uncertain significance (1 of 4 stars; one submission).

Conditions:
Generalized epilepsy with febrile seizures plus, type 7 (GEFSP7). Also called: GEFS+, TYPE 7. Identifiers: Orphanet 36387, MedGen C2751778, MONDO:0013470, OMIM 613863.
Neuropathy, hereditary sensory and autonomic, type 2A (HSAN2A). Also called: MORVAN DISEASE; NEUROPATHY, CONGENITAL SENSORY; NEUROPATHY, HEREDITARY SENSORY RADICULAR, AUTOSOMAL RECESSIVE; NEUROPATHY, HEREDITARY SENSORY, TYPE IIA; NEUROPATHY, PROGRESSIVE SENSORY, OF CHILDREN; HSAN IIA. Identifiers: Orphanet 970, MedGen C2752089, MONDO:0024309, OMIM 201300.

gnomAD v4.1: 11 of 1,613,480 alleles (0.00068%); highest among the groups gnomAD compares: South Asian, 0.0099%; 1 homozygote.

Submission:

Labcorp Genetics (formerly Invitae), Labcorp
Classification: Uncertain significance for Neuropathy, hereditary sensory and autonomic, type 2A; Generalized epilepsy with febrile seizures plus, type 7. Last evaluated: 2024-07-01. Review status: criteria provided, single submitter. Criteria: Invitae Variant Classification Sherloc (09022015). Collection method: clinical testing. Allele origin: germline.
Comment: This sequence change replaces isoleucine, which is neutral and non-polar, with valine, which is neutral and non-polar, at codon 1048 of the SCN9A protein (p.Ile1048Val). This variant is not present in population databases (gnomAD no frequency). This variant has not been reported in the literature in individuals affected with SCN9A-related conditions. Advanced modeling of protein sequence and biophysical properties (such as structural, functional, and spatial information, amino acid conservation, physicochemical variation, residue mobility, and thermodynamic stability) performed at Invitae indicates that this missense variant is not expected to disrupt SCN9A protein function with a negative predictive value of 95%. In summary, the available evidence is currently insufficient to determine the role of this variant in disease. Therefore, it has been classified as a Variant of Uncertain Significance.

NM_001365536.1(SCN9A):c.3175A>G (p.Ile1059Val)

Genes: SCN9A (sodium voltage-gated channel alpha subunit 9; minus strand), SCN1A-AS1 (SCN1A and SCN9A antisense RNA 1; plus strand). Cytogenetic location: 2q24.3.
Variant type: single nucleotide variant.
Coding change: c.3175A>G on transcript NM_001365536.1 (MANE Select); coding-DNA position 3175, A replaced by G.
Protein change: p.Ile1059Val; replaces isoleucine 1059 with valine.
Molecular consequence: missense variant.
Genome position (GRCh38, 1-based): chr2:166,272,575, T>C on the plus strand (A>G on the coding strand, the complement: SCN9A is on the minus strand). VCF-style: chr2-166272575-T-C. GRCh37 (hg19) VCF-style: chr2-167129085-T-C.
Other names: c.3142A>G, p.Ile1048Val (NM_002977.4); short protein forms I1048V, I1059V.
Identifiers: ClinVar variation 3748478 (VCV003748478.2).